The following is an entry in ClinVar:

NM_020975.6(RET):c.2619G>A (p.Arg873=)

Gene: RET (ret proto-oncogene; plus strand). Cytogenetic location: 10q11.21.
Variant type: single nucleotide variant.
Coding change: c.2619G>A on transcript NM_020975.6 (MANE Select); coding-DNA position 2619, G replaced by A.
Protein change: p.Arg873=; no amino-acid change (arginine 873 retained).
Molecular consequence: synonymous variant.
Genome position (GRCh38, 1-based): chr10:43,120,092, G>A. VCF-style: chr10-43120092-G-A. GRCh37 (hg19) VCF-style: chr10-43615540-G-A.
Other names: c.2619G>A, p.Arg873= (NM_000323.2, NM_001406743.1, NM_001406744.1 and 4 more transcripts); c.1857G>A, p.Arg619= (NM_001355216.2); c.2490G>A, p.Arg830= (NM_001406761.1, NM_001406762.1, NM_001406764.1); c.2484G>A, p.Arg828= (NM_001406763.1, NM_001406765.1); c.2331G>A, p.Arg777= (NM_001406766.1, NM_001406767.1, NM_001406770.1); c.2355G>A, p.Arg785= (NM_001406768.1); c.2223G>A, p.Arg741= (NM_001406769.1, NM_001406772.1); c.2181G>A, p.Arg727= (NM_001406771.1, NM_001406773.1); and 10 more.
Identifiers: ClinVar variation 1097859 (VCV001097859.14), dbSNP rs2132958733, ClinGen allele CA376557001.
Genomic context (GRCh38, chr10:43,120,092, plus strand): 5'-CGCTGCTGCCTGGCCATGGCCTGACGACTCGTGCTATTTTTCCTCACAGCTCGTTCATCG[G>A]GACTTGGCAGCCAGAAACATCCTGGTAGCTGAGGGGCGGAAGATGAAGATTTCGGATTTC-3'
Protein context (NP_066124.1, residues 863-883): QYLAEMKLVH[Arg873=]DLAARNILVA

ClinVar aggregate classification (germline): Benign/Likely benign. Review status: criteria provided, multiple submitters, no conflicts (2 of 4 stars). 3 submissions from 3 submitters: Benign (1); Likely benign (2). Last evaluated 2025-02-27.

Conditions:
Hereditary cancer-predisposing syndrome. Also called: Tumor predisposition; Hereditary neoplastic syndrome; Hereditary Cancer Syndrome; Neoplastic Syndromes, Hereditary. Identifiers: Orphanet 140162, MedGen C0027672, MeSH D009386, MONDO:0015356.
Multiple endocrine neoplasia type 2A. Also called: Multiple Endocrine Neoplasia Type 2A (MEN2A); MULTIPLE ENDOCRINE NEOPLASIA, TYPE IIA; PTC SYNDROME; SIPPLE SYNDROME; MEN 2A; MEN-2A syndrome. Identifiers: Orphanet 247698, Orphanet 653, MedGen C0025268, MeSH D018813, MONDO:0008234, OMIM 171400.
Multiple endocrine neoplasia, type 2 (MEN2). Identifiers: Orphanet 653, MedGen C4048306, MONDO:0019003. Disease mechanism: gain of function.

Submissions (3):

Myriad Genetics, Inc.
Classification: Benign for Multiple endocrine neoplasia type 2A. Last evaluated: 2025-02-27. Review status: criteria provided, single submitter. Criteria: Myriad Autosomal Dominant, Autosomal Recessive and X-Linked Classification Criteria (2023). Collection method: clinical testing. Allele origin: unknown.
Comment: This variant is considered benign. This variant is a silent/synonymous amino acid change and it is not expected to impact splicing.

Labcorp Genetics (formerly Invitae), Labcorp
Classification: Likely benign for Multiple endocrine neoplasia, type 2. Last evaluated: 2024-07-22. Review status: criteria provided, single submitter. Criteria: Invitae Variant Classification Sherloc (09022015). Collection method: clinical testing. Allele origin: germline.

Ambry Genetics
Classification: Likely benign for Hereditary cancer-predisposing syndrome. Last evaluated: 2020-03-16. Review status: criteria provided, single submitter. Criteria: Ambry Variant Classification Scheme 2023. Collection method: clinical testing. Allele origin: germline.